The following is an entry in ClinVar:

ClinVar aggregate classification (germline): Pathogenic (1 of 4 stars; one submission).

Conditions:
Muscular dystrophy-dystroglycanopathy type B6 (MDDGB6). Also called: MUSCULAR DYSTROPHY, CONGENITAL, LARGE-RELATED; MUSCULAR DYSTROPHY, CONGENITAL, TYPE 1D; MUSCULAR DYSTROPHY-DYSTROGLYCANOPATHY (CONGENITAL WITH IMPAIRED INTELLECTUAL DEVELOPMENT), TYPE B, 6. Identifiers: MedGen C1837229, MONDO:0012138, OMIM 608840.

Submission:

Labcorp Genetics (formerly Invitae), Labcorp
Classification: Pathogenic for Muscular dystrophy-dystroglycanopathy type B6. Last evaluated: 2024-02-12. Review status: criteria provided, single submitter. Criteria: Invitae Variant Classification Sherloc (09022015). Collection method: clinical testing. Allele origin: germline.
Comment: This sequence change creates a premature translational stop signal (p.Glu61Glyfs*104) in the LARGE1 gene. It is expected to result in an absent or disrupted protein product. Loss-of-function variants in LARGE1 are known to be pathogenic (PMID: 12966029, 17878207). This variant is not present in population databases (gnomAD no frequency). This variant has not been reported in the literature in individuals affected with LARGE1-related conditions. For these reasons, this variant has been classified as Pathogenic.

Literature cited by the submitters: PubMed 12966029; PubMed 17878207.

NM_133642.5(LARGE1):c.181dup (p.Glu61fs)

Gene: LARGE1 (LARGE xylosyl- and glucuronyltransferase 1; minus strand). Cytogenetic location: 22q12.3.
Variant type: Duplication.
Coding change: c.181dup on transcript NM_133642.5 (MANE Select); coding-DNA position 181, one base duplicated (G; older notation c.181dupG).
Protein change: p.Glu61fs; shifts the reading frame from glutamic acid 61.
Molecular consequence: frameshift variant.
Genome position (GRCh38, 1-based): chr22:33,650,594, C duplicated on the plus strand (G on the coding strand, the reverse complement: LARGE1 is on the minus strand); the first of 3 consecutive C bases (chr22:33,650,594-33,650,596); duplicating any one gives the same sequence. VCF-style (leftmost placement, unchanged base first): chr22-33650593-T-TC. GRCh37 (hg19) VCF-style: chr22-34046579-T-TC.
Other names: c.181dup, p.Glu61fs (NM_001362949.2, NM_001362951.2, NM_001362953.2 and 7 more transcripts); short protein forms E61fs.
Identifiers: ClinVar variation 3639943 (VCV003639943.2).